The following is an entry in ClinVar:

NM_006904.7(PRKDC):c.10832A>G (p.Glu3611Gly)

Gene: PRKDC (protein kinase, DNA-activated, catalytic subunit; minus strand). Cytogenetic location: 8q11.21.
Variant type: single nucleotide variant.
Coding change: c.10832A>G on transcript NM_006904.7 (MANE Select); coding-DNA position 10832, A replaced by G.
Protein change: p.Glu3611Gly; replaces glutamic acid 3611 with glycine.
Molecular consequence: missense variant.
Genome position (GRCh38, 1-based): chr8:47,788,976, T>C on the plus strand (A>G on the coding strand, the complement: PRKDC is on the minus strand). VCF-style: chr8-47788976-T-C. GRCh37 (hg19) VCF-style: chr8-48701537-T-C.
Other names: c.10832A>G, p.Glu3611Gly (NM_001081640.2); short protein forms E3611G.
Identifiers: ClinVar variation 837010 (VCV000837010.5), dbSNP rs2086838963, ClinGen allele CA371132141.

ClinVar aggregate classification (germline): Uncertain significance (1 of 4 stars; one submission).

Conditions:
Severe combined immunodeficiency due to DNA-PKcs deficiency. Also called: IMMUNODEFICIENCY 26 WITH NEUROLOGIC ABNORMALITIES; Immunodeficiency 26 with or without neurologic abnormalities. Identifiers: Orphanet 317425, MedGen C4014833, MONDO:0014423, OMIM 615966.

Allele frequency attached by ClinVar (database versions not stated): gnomAD exomes below 0.00001.
gnomAD v4.1: 1 of 1,613,616 alleles (0.000062%); highest among the groups gnomAD compares: Admixed American, 0.0017%; no homozygotes.

Submission:

Labcorp Genetics (formerly Invitae), Labcorp
Classification: Uncertain significance for Severe combined immunodeficiency due to DNA-PKcs deficiency. Last evaluated: 2019-02-17. Review status: criteria provided, single submitter. Criteria: Invitae Variant Classification Sherloc (09022015). Collection method: clinical testing. Allele origin: germline.
Comment: In summary, the available evidence is currently insufficient to determine the role of this variant in disease. Therefore, it has been classified as a Variant of Uncertain Significance. Algorithms developed to predict the effect of missense changes on protein structure and function output the following: SIFT: "Deleterious"; PolyPhen-2: "Not Available"; Align-GVGD: "Class C0". The glycine amino acid residue is found in multiple mammalian species, suggesting that this missense change does not adversely affect protein function. These predictions have not been confirmed by published functional studies and their clinical significance is uncertain. This variant has not been reported in the literature in individuals with PRKDC-related conditions. This variant is not present in population databases (ExAC no frequency). This sequence change replaces glutamic acid with glycine at codon 3611 of the PRKDC protein (p.Glu3611Gly). The glutamic acid residue is weakly conserved and there is a moderate physicochemical difference between glutamic acid and glycine.